The following is an entry in ClinVar:

NM_007294.4(BRCA1):c.2693A>C (p.Lys898Thr)

Gene: BRCA1 (BRCA1 DNA repair associated; minus strand). Cytogenetic location: 17q21.31.
Variant type: single nucleotide variant.
Coding change: c.2693A>C on transcript NM_007294.4 (MANE Select); coding-DNA position 2693, A replaced by C.
Protein change: p.Lys898Thr; replaces lysine 898 with threonine.
Molecular consequence: missense variant. On other transcripts: intron variant (137).
Genome position (GRCh38, 1-based): chr17:43,092,838, T>G on the plus strand (A>C on the coding strand, the complement: BRCA1 is on the minus strand). VCF-style: chr17-43092838-T-G. GRCh37 (hg19) VCF-style: chr17-41244855-T-G.
Other names: c.2483A>C, p.Lys828Thr (NM_001407885.1, NM_001407886.1, NM_001407887.1 and 13 more transcripts); c.2480A>C, p.Lys827Thr (NM_001407894.1, NM_001407895.1, NM_001407898.1 and 9 more transcripts); c.785-1806A>C (NM_001408400.1, NM_001408392.1, NM_001407986.1 and 13 more transcripts); c.665-1806A>C (NM_001408441.1, NM_001408437.1, NM_001408429.1 and 12 more transcripts); c.788-1806A>C (NM_001407979.1, NM_001407977.1, NM_001407982.1 and 17 more transcripts); c.647-1806A>C (NM_001408410.1, NM_001408458.1, NM_001408469.1 and 11 more transcripts); c.710-1806A>C (NM_001408415.1, NM_001408412.1, NM_001408409.1 and 2 more transcripts); c.578-1806A>C (NM_001408483.1, NM_001408481.1, NM_001408480.1 and 9 more transcripts); and 41 more; short protein forms K602T, K730T, K771T, K828T, K830T, K850T, K871T, K872T.
Identifiers: ClinVar variation 3634664 (VCV003634664.2).

ClinVar aggregate classification (germline): Uncertain significance (1 of 4 stars; one submission).

Conditions:
Hereditary breast ovarian cancer syndrome. Also called: Hereditary breast and ovarian cancer syndrome; Hereditary breast and ovarian cancer syndrome (HBOC); BRCA1- and BRCA2-Associated Hereditary Breast and Ovarian Cancer; Hereditary breast and ovarian cancer; Breast and ovarian cancer; Hereditary breast and/or ovarian cancer syndrome. Identifiers: Orphanet 145, MedGen C0677776, MeSH D061325, MONDO:0003582. Disease mechanism: loss of function.

Submission:

Labcorp Genetics (formerly Invitae), Labcorp
Classification: Uncertain significance for Hereditary breast ovarian cancer syndrome. Last evaluated: 2024-04-29. Review status: criteria provided, single submitter. Criteria: Invitae Variant Classification Sherloc (09022015). Collection method: clinical testing. Allele origin: germline.
Comment: This sequence change replaces lysine, which is basic and polar, with threonine, which is neutral and polar, at codon 898 of the BRCA1 protein (p.Lys898Thr). This variant is not present in population databases (gnomAD no frequency). This variant has not been reported in the literature in individuals affected with BRCA1-related conditions. Advanced modeling of protein sequence and biophysical properties (such as structural, functional, and spatial information, amino acid conservation, physicochemical variation, residue mobility, and thermodynamic stability) performed at Invitae indicates that this missense variant is not expected to disrupt BRCA1 protein function with a negative predictive value of 95%. In summary, the available evidence is currently insufficient to determine the role of this variant in disease. Therefore, it has been classified as a Variant of Uncertain Significance.